The following is an entry in ClinVar:

NM_001035.3(RYR2):c.5755C>T (p.Arg1919Trp)

Gene: RYR2 (ryanodine receptor 2; plus strand). Cytogenetic location: 1q43.
Variant type: single nucleotide variant.
Coding change: c.5755C>T on transcript NM_001035.3 (MANE Select); coding-DNA position 5755, C replaced by T.
Protein change: p.Arg1919Trp; replaces arginine 1919 with tryptophan.
Molecular consequence: missense variant.
Genome position (GRCh38, 1-based): chr1:237,617,325, C>T. VCF-style: chr1-237617325-C-T. GRCh37 (hg19) VCF-style: chr1-237780625-C-T.
Other names: short protein forms R1919W.
Identifiers: ClinVar variation 229221 (VCV000229221.24), dbSNP rs771469528, ClinGen allele CA086955.

ClinVar aggregate classification (germline): Uncertain significance. Review status: criteria provided, multiple submitters, no conflicts (2 of 4 stars). 6 submissions from 6 submitters: Uncertain significance (6). Last evaluated 2025-12-18.

Conditions:
Cardiovascular phenotype. Identifiers: MedGen CN230736.
Catecholaminergic polymorphic ventricular tachycardia (CVPT). Also called: Catecholamine-induced polymorphic ventricular tachycardia. Identifiers: Orphanet 3286, MedGen C5574922, MONDO:0017990.
Cardiomyopathy (CMYO). Also called: Cardiomyopathies. Identifiers: Orphanet 167848, MedGen C0878544, MONDO:0004994, HP:0001638. Inheritance: Various modes of inheritance.
Catecholaminergic polymorphic ventricular tachycardia 1. Also called: VENTRICULAR TACHYCARDIA, STRESS-INDUCED POLYMORPHIC 1; RYR2-Related Catecholaminergic Polymorphic Ventricular Tachycardia; VENTRICULAR TACHYCARDIA, CATECHOLAMINERGIC POLYMORPHIC, 1, WITH OR WITHOUT ATRIAL DYSFUNCTION AND/OR DILATED CARDIOMYOPATHY. Identifiers: Orphanet 3286, MedGen C1631597, MONDO:0011484, OMIM 604772.

Allele frequency attached by ClinVar (database versions not stated): ExAC 0.00001; gnomAD 0.00001; gnomAD exomes 0.00001; TOPMed 0.00002.
gnomAD v4.1: 17 of 1,613,352 alleles (0.0011%); highest among the groups gnomAD compares: South Asian, 0.0033%; no homozygotes.

Submissions (6):

Labcorp Genetics (formerly Invitae), Labcorp
Classification: Uncertain significance for Catecholaminergic polymorphic ventricular tachycardia 1. Last evaluated: 2025-12-18. Review status: criteria provided, single submitter. Criteria: Invitae Variant Classification Sherloc (09022015). Collection method: clinical testing. Allele origin: germline.
Comment: This sequence change replaces arginine, which is basic and polar, with tryptophan, which is neutral and slightly polar, at codon 1919 of the RYR2 protein (p.Arg1919Trp). This variant is present in population databases (rs771469528, gnomAD 0.003%). This variant has not been reported in the literature in individuals affected with RYR2-related conditions. ClinVar contains an entry for this variant (Variation ID: 229221). Invitae Evidence Modeling of protein sequence and biophysical properties (such as structural, functional, and spatial information, amino acid conservation, physicochemical variation, residue mobility, and thermodynamic stability) indicates that this missense variant is not expected to disrupt RYR2 protein function with a negative predictive value of 95%. In summary, the available evidence is currently insufficient to determine the role of this variant in disease. Therefore, it has been classified as a Variant of Uncertain Significance.

Color Diagnostics, LLC DBA Color Health
Classification: Uncertain significance for Cardiomyopathy. Last evaluated: 2024-11-05. Review status: criteria provided, single submitter. Criteria: ACMG Guidelines, 2015. Collection method: clinical testing. Allele origin: germline.
Comment: This missense variant replaces arginine with tryptophan at codon 1919 of the RYR2 protein. Computational prediction is inconclusive regarding the impact of this variant on protein structure and function. To our knowledge, functional studies have not been reported for this variant. This variant has not been reported in individuals affected with RYR2-related disorders in the literature. This variant has been identified in 2/248052 chromosomes in the general population by the Genome Aggregation Database (gnomAD). The available evidence is insufficient to determine the role of this variant in disease conclusively. Therefore, this variant is classified as a Variant of Uncertain Significance.

All of Us Research Program, National Institutes of Health
Classification: Uncertain significance for Catecholaminergic polymorphic ventricular tachycardia. Last evaluated: 2023-09-17. Review status: criteria provided, single submitter. Criteria: ACMG Guidelines, 2015. Collection method: clinical testing. Allele origin: germline. Inheritance: Autosomal dominant inheritance. Observed: 6 variant alleles, 6 heterozygotes.
Comment: This missense variant replaces arginine with tryptophan at codon 1919 of the RYR2 protein. Computational prediction is inconclusive regarding the impact of this variant on protein structure and function (internally defined REVEL score threshold 0.5 < inconclusive < 0.7, PMID: 27666373). To our knowledge, functional studies have not been reported for this variant. This variant has not been reported in individuals affected with cardiovascular disorders in the literature. This variant has been identified in 2/248052 chromosomes in the general population by the Genome Aggregation Database (gnomAD). The available evidence is insufficient to determine the role of this variant in disease conclusively. Therefore, this variant is classified as a Variant of Uncertain Significance.

This study involves interpretation of variants in research participants for the purpose of population health screening. Participant phenotype was not available at the time of variant classification. Additional details can be found in publication PMID: 35346344, PMCID: PMC8962531

Ambry Genetics
Classification: Uncertain significance for Cardiovascular phenotype. Last evaluated: 2021-09-22. Review status: criteria provided, single submitter. Criteria: Ambry Variant Classification Scheme 2023. Collection method: clinical testing. Allele origin: germline.
Comment: The p.R1919W variant (also known as c.5755C>T), located in coding exon 38 of the RYR2 gene, results from a C to T substitution at nucleotide position 5755. The arginine at codon 1919 is replaced by tryptophan, an amino acid with dissimilar properties. This amino acid position is highly conserved in available vertebrate species. In addition, this alteration is predicted to be deleterious by in silico analysis. Since supporting evidence is limited at this time, the clinical significance of this alteration remains unclear.

CHEO Genetics Diagnostic Laboratory, Children's Hospital of Eastern Ontario
Classification: Uncertain significance for Cardiomyopathy. Last evaluated: 2018-07-30. Review status: criteria provided, single submitter. Criteria: ACMG Guidelines, 2015. Collection method: clinical testing. Allele origin: germline.

Laboratory for Molecular Medicine, Mass General Brigham Personalized Medicine
Classification: Uncertain significance. Last evaluated: 2015-03-11. Review status: criteria provided, single submitter. Criteria: LMM Criteria. Collection method: clinical testing. Allele origin: germline. Observed: 1 variant allele.
Comment: The p.Arg1919Trp variant in RYR2 has not been previously reported in individuals with cardiomyopathy, but has been identified in 1/15168 South Asian chromosomes by the Exome Aggregation Consortium (ExAC). Com putational prediction tools and conservation analysis suggest that this variant may impact the protein, though this information is not predictive enough to dete rmine pathogenicity. In summary, the clinical significance of the p.Arg1919Trp v ariant is uncertain.